The following is an entry in ClinVar:

ClinVar aggregate classification (germline): Likely pathogenic (1 of 4 stars; one submission).

Conditions:
Bloom syndrome (BLM). Also called: Bloom-Torre-Machacek syndrome. Identifiers: Orphanet 125, MedGen C0005859, MONDO:0008876, OMIM 210900.

Submission:

Labcorp Genetics (formerly Invitae), Labcorp
Classification: Likely pathogenic for Bloom syndrome. Last evaluated: 2019-09-15. Review status: criteria provided, single submitter. Criteria: Invitae Variant Classification Sherloc (09022015). Collection method: clinical testing. Allele origin: germline.
Comment: This variant is a gross deletion of the genomic region encompassing exons 20-22 of the BLM gene. The 5' boundary is likely confined to intron 19. The 3' end of this event is unknown as it extends through the termination codon beyond the assayed region for this gene and may encompass additional genes. While this deletion is not anticipated to result in nonsense mediated decay, it is expected to create a truncated protein product or disrupt mRNA translation. A similar deletion of exons 4-8 has been observed to be homozygous in an individual affected with Bloom syndrome (PMID: 17407155). This deletion variant affects amino acid residues 1334-1349, which constitute the nuclear localization signal (NLS) of the BLM protein (PMID: 9388480) and are required for BLM interaction with topoisomerase I (TOP1) (PMID: 27657136). These residues have been shown in experimental studies to be critical for BLM localization to the nucleus (PMID: 9388480, 10569803, 27657136) and TOP1-mediated RNA:DNA unwinding (PMID: 27657136). In summary, the currently available evidence indicates that the variant is pathogenic, but additional data are needed to prove that conclusively. Therefore, this variant has been classified as Likely Pathogenic.

Literature cited by the submitters: PubMed 9388480; PubMed 10569803; PubMed 17407155; PubMed 27657136.

NC_000015.10:g.(?_90809127)_(90815289_?)del

Gene: BLM (BLM RecQ like helicase; plus strand). Cytogenetic location: 15q26.1.
Variant type: Deletion.
Identifiers: ClinVar variation 830493 (VCV000830493.1).